The following is an entry in ClinVar:

NM_001776.6(ENTPD1):c.1174C>T (p.Gln392Ter)

Genes: ENTPD1 (ectonucleoside triphosphate diphosphohydrolase 1; plus strand), ENTPD1-AS1 (ENTPD1 antisense RNA 1; minus strand). Cytogenetic location: 10q24.1.
Variant type: single nucleotide variant.
Coding change: c.1174C>T on transcript NM_001776.6 (MANE Select); coding-DNA position 1174, C replaced by T.
Protein change: p.Gln392Ter; replaces glutamine 392 with a stop codon.
Molecular consequence: nonsense.
Genome position (GRCh38, 1-based): chr10:95,860,568, C>T. VCF-style: chr10-95860568-C-T. GRCh37 (hg19) VCF-style: chr10-97620325-C-T.
Other names: c.1195C>T, p.Gln399Ter (NM_001098175.2); c.1210C>T, p.Gln404Ter (NM_001164178.1, NM_001320916.1); c.1051C>T, p.Gln351Ter (NM_001164179.2); c.850C>T, p.Gln284Ter (NM_001164181.1, NM_001312654.1); c.760C>T, p.Gln254Ter (NM_001164182.2, NM_001164183.2); short protein forms Q254*, Q284*, Q351*, Q392*, Q399*, Q404*.
Identifiers: ClinVar variation 3237367 (VCV003237367.2), dbSNP rs766222251.

ClinVar aggregate classification (germline): Pathogenic (0 of 4 stars; one submission).

Conditions:
Hereditary spastic paraplegia 64. Also called: ENTPD1-Related Neurodevelopmental Disorder; Spastic paraplegia 64, autosomal recessive. Identifiers: Orphanet 401810, MedGen C3810289, MONDO:0014303, OMIM 615683.

Submission:

Dr Sami Ulus Medical Genetics Department, Dr Sami Ulus Training and Research Hospital for Maternity and Children's Health and Diseases
Classification: Pathogenic for Hereditary spastic paraplegia 64. Last evaluated: 2024-05-15. Review status: no assertion criteria provided. Collection method: research. Allele origin: germline. Inheritance: Autosomal recessive inheritance. Affected: yes. Observed: 1 homozygote.
Comment: The homozygous Gln392Ter variant identified in ENTPD1 has not been reported in gnomAD v.4.1.0 (807,162 samples). As this variant is a nonsense variant, it is predicted to undergo nonsense mediated decay and is expected to lead to loss of function of the protein, but no experimental studies have been performed to support this prediction. In conclusion, the Gln392Ter variant meets the criteria to be classified as pathogenic based on segregation studies and absence in the healthy population.